The following is an entry in ClinVar:

ClinVar aggregate classification (germline): Uncertain significance. Review status: criteria provided, multiple submitters, no conflicts (2 of 4 stars). 3 submissions from 3 submitters: Uncertain significance (3). Last evaluated 2024-07-27.

Conditions:
Giant axonal neuropathy 1 (GAN1). Also called: GIANT AXONAL NEUROPATHY 1, AUTOSOMAL RECESSIVE; GAN-Related Neurodegeneration. Identifiers: Orphanet 643, MedGen C1850386, MONDO:0009749, OMIM 256850.
Inborn genetic diseases. Identifiers: MedGen C0950123, MeSH D030342.

Allele frequency attached by ClinVar (database versions not stated): gnomAD exomes below 0.00001 and 0.00001; TOPMed below 0.00001; gnomAD 0.00001.
gnomAD v4.1: 18 of 1,611,696 alleles (0.0011%); highest among the groups gnomAD compares: Non-Finnish European, 0.0014%; no homozygotes.

Submissions (3):

Ambry Genetics
Classification: Uncertain significance for Inborn genetic diseases. Last evaluated: 2024-07-27. Review status: criteria provided, single submitter. Criteria: Ambry Variant Classification Scheme 2023. Collection method: clinical testing. Allele origin: germline.

Mayo Clinic Laboratories, Mayo Clinic
Classification: Uncertain significance. Last evaluated: 2023-12-05. Review status: criteria provided, single submitter. Criteria: ACMG Guidelines, 2015. Collection method: clinical testing. Allele origin: germline. Observed: 1 variant allele.
Comment: PM2_moderate

Labcorp Genetics (formerly Invitae), Labcorp
Classification: Uncertain significance for Giant axonal neuropathy 1. Last evaluated: 2022-08-19. Review status: criteria provided, single submitter. Criteria: Invitae Variant Classification Sherloc (09022015). Collection method: clinical testing. Allele origin: germline.
Comment: This sequence change replaces isoleucine, which is neutral and non-polar, with phenylalanine, which is neutral and non-polar, at codon 389 of the GAN protein (p.Ile389Phe). This variant is present in population databases (no rsID available, gnomAD no frequency). This variant has not been reported in the literature in individuals affected with GAN-related conditions. ClinVar contains an entry for this variant (Variation ID: 465386). Algorithms developed to predict the effect of missense changes on protein structure and function (SIFT, PolyPhen-2, Align-GVGD) all suggest that this variant is likely to be tolerated. In summary, the available evidence is currently insufficient to determine the role of this variant in disease. Therefore, it has been classified as a Variant of Uncertain Significance.

NM_022041.4(GAN):c.1165A>T (p.Ile389Phe)

Gene: GAN (gigaxonin; plus strand). Cytogenetic location: 16q23.2.
Variant type: single nucleotide variant.
Coding change: c.1165A>T on transcript NM_022041.4 (MANE Select); coding-DNA position 1165, A replaced by T.
Protein change: p.Ile389Phe; replaces isoleucine 389 with phenylalanine.
Molecular consequence: missense variant.
Genome position (GRCh38, 1-based): chr16:81,363,872, A>T. VCF-style: chr16-81363872-A-T. GRCh37 (hg19) VCF-style: chr16-81397477-A-T.
Other names: p.Ile389Phe; c.526A>T, p.Ile176Phe (NM_001377486.1); short protein forms I389F, I176F.
Identifiers: ClinVar variation 465386 (VCV000465386.8), dbSNP rs1471052510, ClinGen allele CA396890616.
Genomic context (GRCh38, chr16:81,363,872, plus strand): 5'-ATTGTGGAGATAGATGGGATGCTGTACATTTTGGGAGGAGAGGATGGTGAAAAGGAGCTG[A>T]TTTCCATGGAGTGTTACGATATTTATTCTAAAACCTGGACAAAGCAACCTGATTTGACCA-3'
Protein context (NP_071324.1, residues 379-399): LGGEDGEKEL[Ile389Phe]SMECYDIYSK